The following is an entry in ClinVar:

ClinVar aggregate classification (germline): Uncertain significance. Review status: criteria provided, multiple submitters, no conflicts (2 of 4 stars). 2 submissions from 2 submitters: Uncertain significance (2). Last evaluated 2026-04-01.

Conditions:
Autosomal recessive ataxia, Beauce type. Also called: SYNE1-Related Autosomal Recessive Cerebellar Ataxia; ATAXIA, RECESSIVE, OF BEAUCE; Spinocerebellar ataxia, autosomal recessive 8; SYNE1 Deficiency. Identifiers: Orphanet 88644, MedGen C1853116, MONDO:0012549, OMIM 610743.
Emery-Dreifuss muscular dystrophy 4, autosomal dominant (EDMD4). Also called: EMERY-DREIFUSS MUSCULAR DYSTROPHY 4 WITH VARIABLE FEATURES. Identifiers: Orphanet 261, MedGen C2751807, MONDO:0013071, OMIM 612998.

gnomAD v4.1: 1 of 1,614,176 alleles (0.000062%); highest among the groups gnomAD compares: East Asian, 0.0022%; no homozygotes.

Submissions (2):

CeGaT Center for Human Genetics Tuebingen
Classification: Uncertain significance. Last evaluated: 2026-04-01. Review status: criteria provided, single submitter. Criteria: CeGaT Center For Human Genetics Tuebingen Variant Classification Criteria Version 2. Collection method: clinical testing. Allele origin: germline. Affected: yes. Observed: 1 variant allele.
Comment: SYNE1: PM2, BP4

Labcorp Genetics (formerly Invitae), Labcorp
Classification: Uncertain significance for Emery-Dreifuss muscular dystrophy 4, autosomal dominant; Autosomal recessive ataxia, Beauce type. Last evaluated: 2024-10-25. Review status: criteria provided, single submitter. Criteria: Invitae Variant Classification Sherloc (09022015). Collection method: clinical testing. Allele origin: germline.
Comment: This sequence change replaces lysine, which is basic and polar, with glutamic acid, which is acidic and polar, at codon 4714 of the SYNE1 protein (p.Lys4714Glu). This variant is not present in population databases (gnomAD no frequency). This variant has not been reported in the literature in individuals affected with SYNE1-related conditions. ClinVar contains an entry for this variant (Variation ID: 1492046). An algorithm developed to predict the effect of missense changes on protein structure and function outputs the following: PolyPhen-2: "Benign". The glutamic acid amino acid residue is found in multiple mammalian species, which suggests that this missense change does not adversely affect protein function. In summary, the available evidence is currently insufficient to determine the role of this variant in disease. Therefore, it has been classified as a Variant of Uncertain Significance.

NM_182961.4(SYNE1):c.14353A>G (p.Lys4785Glu)

Gene: SYNE1 (spectrin repeat containing nuclear envelope protein 1; minus strand). Cytogenetic location: 6q25.2.
Variant type: single nucleotide variant.
Coding change: c.14353A>G on transcript NM_182961.4 (MANE Select); coding-DNA position 14353, A replaced by G.
Protein change: p.Lys4785Glu; replaces lysine 4785 with glutamic acid.
Molecular consequence: missense variant.
Genome position (GRCh38, 1-based): chr6:152,330,332, T>C on the plus strand (A>G on the coding strand, the complement: SYNE1 is on the minus strand). VCF-style: chr6-152330332-T-C. GRCh37 (hg19) VCF-style: chr6-152651467-T-C.
Other names: c.14140A>G, p.Lys4714Glu (NM_033071.5); short protein forms K4714E, K4785E.
Identifiers: ClinVar variation 1492046 (VCV001492046.10), dbSNP rs2153970528, ClinGen allele CA366097968.
Genomic context (GRCh38, chr6:152,330,332, plus strand): 5'-TCACTTTGGACTGCTCCTCTTTTACAGACTTCAGTTGTCTCTCCAGCTGTTGGCACATCT[T>C]CTCGTGTTCTTGGTAAGCACTGGTGGTGTCTTCTAATAAGCTAACCCTCTGTTCTGTTTG-3'
Protein context (NP_892006.3, residues 4775-4795): DTTSAYQEHE[Lys4785Glu]MCQQLERQLK